The following is an entry in ClinVar:

ClinVar aggregate classification (germline): Uncertain significance (1 of 4 stars; one submission).

Allele frequency attached by ClinVar (database versions not stated): TOPMed 0.00001.

Submission:

Labcorp Genetics (formerly Invitae), Labcorp
Classification: Uncertain significance. Last evaluated: 2024-02-24. Review status: criteria provided, single submitter. Criteria: Invitae Variant Classification Sherloc (09022015). Collection method: clinical testing. Allele origin: germline.
Comment: This sequence change affects codon 136 of the NDUFS1 mRNA. It is a 'silent' change, meaning that it does not change the encoded amino acid sequence of the NDUFS1 protein. This variant is not present in population databases (gnomAD no frequency). This variant has not been reported in the literature in individuals affected with NDUFS1-related conditions. ClinVar contains an entry for this variant (Variation ID: 2126533). Algorithms developed to predict the effect of sequence changes on RNA splicing suggest that this variant may disrupt the consensus splice site. In summary, the available evidence is currently insufficient to determine the role of this variant in disease. Therefore, it has been classified as a Variant of Uncertain Significance.

NM_005006.7(NDUFS1):c.408A>G (p.Glu136=)

Gene: NDUFS1 (NADH:ubiquinone oxidoreductase core subunit S1; minus strand). Cytogenetic location: 2q33.3.
Variant type: single nucleotide variant.
Coding change: c.408A>G on transcript NM_005006.7 (MANE Select); coding-DNA position 408, A replaced by G.
Protein change: p.Glu136=; no amino-acid change (glutamic acid 136 retained).
Molecular consequence: synonymous variant.
Genome position (GRCh38, 1-based): chr2:206,147,765, T>C on the plus strand (A>G on the coding strand, the complement: NDUFS1 is on the minus strand). VCF-style: chr2-206147765-T-C. GRCh37 (hg19) VCF-style: chr2-207012489-T-C.
Other names: c.300A>G, p.Glu100= (NM_001199981.2); c.75A>G, p.Glu25= (NM_001199982.2); c.237A>G, p.Glu79= (NM_001199983.2); c.450A>G, p.Glu150= (NM_001199984.2).
Identifiers: ClinVar variation 2126533 (VCV002126533.4), dbSNP rs989038562, ClinGen allele CA431109830.
Genomic context (GRCh38, chr2:206,147,765, plus strand): 5'-ATTAAAATCTGAGACAACCAAAAAGATTGACAGAATTCTACTACATACCTGCAGATCACA[T>C]TCACCTCCCTGGTCACAAATAGGACAGTCCAATGGGTGATTTGCTAATAAGAACTCCATC-3'
Protein context (NP_004997.4, residues 126-146): LDCPICDQGG[Glu136=]CDLQDQSMMF